The following is an entry in ClinVar:

NM_022114.4(PRDM16):c.3044G>A (p.Arg1015His)

Gene: PRDM16 (PR/SET domain 16; plus strand). Cytogenetic location: 1p36.32.
Variant type: single nucleotide variant.
Coding change: c.3044G>A on transcript NM_022114.4 (MANE Select); coding-DNA position 3044, G replaced by A.
Protein change: p.Arg1015His; replaces arginine 1015 with histidine.
Molecular consequence: missense variant.
Genome position (GRCh38, 1-based): chr1:3,425,685, G>A. VCF-style: chr1-3425685-G-A. GRCh37 (hg19) VCF-style: chr1-3342249-G-A.
Other names: c.3044G>A, p.Arg1015His (NM_199454.3); short protein forms R1015H.
Identifiers: ClinVar variation 1419903 (VCV001419903.9), dbSNP rs758654133, ClinGen allele CA544691.

ClinVar aggregate classification (germline): Uncertain significance. Review status: criteria provided, multiple submitters, no conflicts (2 of 4 stars). 2 submissions from 2 submitters: Uncertain significance (2). Last evaluated 2025-09-05.

Conditions:
Left ventricular noncompaction 8 (LVNC8). Identifiers: Orphanet 154, Orphanet 54260, MedGen C3809288, MONDO:0014152, OMIM 615373.

Allele frequency attached by ClinVar (database versions not stated): gnomAD 0.00001; ExAC 0.00002; gnomAD exomes 0.00002.
gnomAD v4.1: 48 of 1,613,816 alleles (0.003%); highest among the groups gnomAD compares: Non-Finnish European, 0.0039%; no homozygotes.

Submissions (2):

Women's Health and Genetics/Laboratory Corporation of America, LabCorp
Classification: Uncertain significance. Last evaluated: 2025-09-05. Review status: criteria provided, single submitter. Criteria: LabCorp Variant Classification Summary - May 2015. Collection method: clinical testing. Allele origin: germline.

Labcorp Genetics (formerly Invitae), Labcorp
Classification: Uncertain significance for Left ventricular noncompaction 8. Last evaluated: 2021-03-26. Review status: criteria provided, single submitter. Criteria: Invitae Variant Classification Sherloc (09022015). Collection method: clinical testing. Allele origin: germline.
Comment: This variant is present in population databases (rs758654133, ExAC 0.003%). This sequence change replaces arginine with histidine at codon 1015 of the PRDM16 protein (p.Arg1015His). The arginine residue is highly conserved and there is a small physicochemical difference between arginine and histidine. This variant has not been reported in the literature in individuals with PRDM16-related conditions. In summary, the available evidence is currently insufficient to determine the role of this variant in disease. Therefore, it has been classified as a Variant of Uncertain Significance. Algorithms developed to predict the effect of missense changes on protein structure and function are either unavailable or do not agree on the potential impact of this missense change (SIFT: "Deleterious"; PolyPhen-2: "Probably Damaging"; Align-GVGD: "Class C0").